The following is an entry in ClinVar:

NM_000492.4(CFTR):c.638G>T (p.Gly213Val)

Gene: CFTR (CF transmembrane conductance regulator; plus strand). Cytogenetic location: 7q31.2.
Variant type: single nucleotide variant.
Coding change: c.638G>T on transcript NM_000492.4 (MANE Select); coding-DNA position 638, G replaced by T.
Protein change: p.Gly213Val; replaces glycine 213 with valine.
Molecular consequence: missense variant.
Genome position (GRCh38, 1-based): chr7:117,535,306, G>T. VCF-style: chr7-117535306-G-T. GRCh37 (hg19) VCF-style: chr7-117175360-G-T.
Other names: short protein forms G213V.
Identifiers: ClinVar variation 3385204 (VCV003385204.2).

ClinVar aggregate classification (germline): Uncertain significance. Review status: criteria provided, multiple submitters, no conflicts (2 of 4 stars). 2 submissions from 2 submitters: Uncertain significance (2). Last evaluated 2024-10-18.

Conditions:
Cystic fibrosis (CF). Also called: MUCOVISCIDOSIS. Identifiers: Orphanet 586, MedGen C0010674, MONDO:0009061, OMIM 219700. Disease mechanism: loss of function.

gnomAD v4.1: 1 of 1,614,024 alleles (0.000062%); highest among the groups gnomAD compares: Non-Finnish European, 0.000085%; no homozygotes.

Submissions (2):

Women's Health and Genetics/Laboratory Corporation of America, LabCorp
Classification: Uncertain significance. Last evaluated: 2024-10-18. Review status: criteria provided, single submitter. Criteria: LabCorp Variant Classification Summary - May 2015. Collection method: clinical testing. Allele origin: germline.
Comment: Variant summary: CFTR c.638G>T (p.Gly213Val) results in a non-conservative amino acid change located in the ABC transporter type 1, transmembrane domain (IPR011527) of the encoded protein sequence. Four of five in-silico tools predict a damaging effect of the variant on protein function. The variant was absent in 251458 control chromosomes (gnomAD). The available data on variant occurrences in the general population are insufficient to allow any conclusion about variant significance. c.638G>T has been reported in the literature in an individual(s) affected with Cystic Fibrosis (De Watcher_2017). This report does not provide unequivocal conclusions about association of the variant with Cystic Fibrosis. At least one publication reports experimental evidence evaluating an impact on protein function. The most pronounced variant effect resulted in approximately 72% of normal chloride channel conductance relative to wild type (Bihler_2024). The following publications have been ascertained in the context of this evaluation (PMID: 28830496, 38388235). No submitters have cited clinical-significance assessments for this variant to ClinVar. Based on the evidence outlined above, the variant was classified as uncertain significance.

Ambry Genetics
Classification: Uncertain significance for Cystic fibrosis. Last evaluated: 2024-07-08. Review status: criteria provided, single submitter. Criteria: Ambry Variant Classification Scheme 2023. Collection method: clinical testing. Allele origin: germline.
Comment: The p.G213V variant (also known as c.638G>T), located in coding exon 6 of the CFTR gene, results from a G to T substitution at nucleotide position 638. The glycine at codon 213 is replaced by valine, an amino acid with dissimilar properties. This variant was identified in an individual with pancreatic sufficiency and a normal sweat chloride level (De Wachter E et al. Orphanet J Rare Dis, 2017 Aug;12:142). Functional studies suggest this variant is responsive to the CFTR modulator combination of elexacaftor, tezacaftor, and ivacaftor with an increased chloride transport function compared to wildtype (Bihler H et al. J Cyst Fibros, 2024 Feb;21:S1569-1993(24)00021-3). This amino acid position is highly conserved in available vertebrate species. In addition, this alteration is predicted to be deleterious by in silico analysis. Based on the available evidence, the clinical significance of this variant remains unclear.

Literature cited by the submitters: PubMed 28830496 (cited by Women's Health and Genetics/Laboratory Corporation of America, LabCorp and Ambry Genetics); PubMed 38388235 (cited by Women's Health and Genetics/Laboratory Corporation of America, LabCorp and Ambry Genetics).